The following is an entry in ClinVar:

ClinVar aggregate classification (germline): Uncertain significance. Review status: criteria provided, multiple submitters, no conflicts (2 of 4 stars). 2 submissions from 2 submitters: Uncertain significance (2). Last evaluated 2025-08-22.

Conditions:
Peroxisome biogenesis disorder 2B (PBD2B). Identifiers: Orphanet 44, MedGen C3550234, MONDO:0008736, OMIM 202370.
Inborn genetic diseases. Identifiers: MedGen C0950123, MeSH D030342.

gnomAD v4.1: 1 of 1,614,176 alleles (0.000062%); highest among the groups gnomAD compares: Admixed American, 0.0017%; no homozygotes.

Submissions (2):

Ambry Genetics
Classification: Uncertain significance for Inborn genetic diseases. Last evaluated: 2025-08-22. Review status: criteria provided, single submitter. Criteria: Ambry Variant Classification Scheme 2023. Collection method: clinical testing. Allele origin: germline.

Labcorp Genetics (formerly Invitae), Labcorp
Classification: Uncertain significance for Peroxisome biogenesis disorder 2B. Last evaluated: 2022-11-15. Review status: criteria provided, single submitter. Criteria: Invitae Variant Classification Sherloc (09022015). Collection method: clinical testing. Allele origin: germline.
Comment: This sequence change replaces asparagine, which is neutral and polar, with histidine, which is basic and polar, at codon 98 of the PEX5 protein (p.Asn98His). This variant is present in population databases (rs374327439, gnomAD 0.003%). This variant has not been reported in the literature in individuals affected with PEX5-related conditions. ClinVar contains an entry for this variant (Variation ID: 1348496). Algorithms developed to predict the effect of missense changes on protein structure and function (SIFT, PolyPhen-2, Align-GVGD) all suggest that this variant is likely to be tolerated. In summary, the available evidence is currently insufficient to determine the role of this variant in disease. Therefore, it has been classified as a Variant of Uncertain Significance.

NM_001351132.2(PEX5):c.292A>C (p.Asn98His)

Gene: PEX5 (peroxisomal biogenesis factor 5; plus strand). Cytogenetic location: 12p13.31.
Variant type: single nucleotide variant.
Coding change: c.292A>C on transcript NM_001351132.2 (MANE Select); coding-DNA position 292, A replaced by C.
Protein change: p.Asn98His; replaces asparagine 98 with histidine.
Molecular consequence: missense variant.
Genome position (GRCh38, 1-based): chr12:7,191,334, A>C. VCF-style: chr12-7191334-A-C. GRCh37 (hg19) VCF-style: chr12-7343930-A-C.
Other names: c.292A>C, p.Asn98His (NM_001351139.2, NM_001351140.2, NM_001374645.1 and 19 more transcripts); c.292A>C (NM_001131025.1); c.337A>C, p.Asn113His (NM_001131023.2, NM_001351135.3, NM_001351138.2); short protein forms N113H, N98H.
Identifiers: ClinVar variation 1348496 (VCV001348496.6), dbSNP rs374327439, ClinGen allele CA6426078.